The following is an entry in ClinVar:

ClinVar aggregate classification (germline): Benign/Likely benign. Review status: criteria provided, multiple submitters, no conflicts (2 of 4 stars). 5 submissions from 5 submitters: Benign (2); Likely benign (2). 1 of the submissions does not count toward it. Last evaluated 2025-09-27.

Conditions:
ESPN-related disorder. Also called: ESPN-related condition.

Allele frequency attached by ClinVar (database versions not stated): TOPMed 0.00006; ExAC 0.00010; gnomAD exomes 0.00041 and 0.00063.
gnomAD v4.1: 341 of 738,712 alleles (0.046%); highest among the groups gnomAD compares: Non-Finnish European, 0.012%; 3 homozygotes.

Submissions (5):

Labcorp Genetics (formerly Invitae), Labcorp
Classification: Benign. Last evaluated: 2025-09-27. Review status: criteria provided, single submitter. Criteria: Invitae Variant Classification Sherloc (09022015). Collection method: clinical testing. Allele origin: germline.

Laboratory of Genetics, Children's Clinical University Hospital Latvia
Classification: Benign. Last evaluated: 2025-02-16. Review status: criteria provided, single submitter. Criteria: ACMG Guidelines, 2015. Collection method: clinical testing. Allele origin: germline. Affected: yes.

Blueprint Genetics
Classification: Likely benign. Last evaluated: 2024-08-20. Review status: criteria provided, single submitter. Criteria: ACMG Guidelines, 2015. Collection method: clinical testing. Allele origin: germline.

GeneDx
Classification: Likely benign. Last evaluated: 2019-11-20. Review status: criteria provided, single submitter. Criteria: GeneDx Variant Classification Process June 2021. Collection method: clinical testing. Allele origin: germline. Affected: yes.

PreventionGenetics, part of Exact Sciences
Classification: Benign for ESPN-related condition. Last evaluated: 2019-09-05. Review status: no assertion criteria provided. Collection method: clinical testing. Allele origin: germline. Not counted in ClinVar's aggregate classification.
Comment: This variant is classified as benign based on ACMG/AMP sequence variant interpretation guidelines (Richards et al. 2015 PMID: 25741868, with internal and published modifications).

NM_031475.3(ESPN):c.676-6G>T

Gene: ESPN (espin; plus strand). Cytogenetic location: 1p36.31.
Variant type: single nucleotide variant.
Coding change: c.676-6G>T on transcript NM_031475.3 (MANE Select); 6 bases into the intron before coding-DNA position 676, G replaced by T.
Molecular consequence: intron variant.
Genome position (GRCh38, 1-based): chr1:6,440,620, G>T. VCF-style: chr1-6440620-G-T. GRCh37 (hg19) VCF-style: chr1-6500680-G-T.
Other names: c.676-6G>T (NM_031475.2, NM_001367474.1, NM_001367473.1).
Identifiers: ClinVar variation 1187796 (VCV001187796.9), dbSNP rs767493145, ClinGen allele CA559974.